The following is an entry in ClinVar:

NM_001281740.3(FHOD3):c.273-258C>T

Gene: FHOD3 (formin homology 2 domain containing 3; plus strand). Cytogenetic location: 18q12.2.
Variant type: single nucleotide variant.
Coding change: c.273-258C>T on transcript NM_001281740.3 (MANE Select); 258 bases into the intron before coding-DNA position 273, C replaced by T.
Molecular consequence: intron variant.
Genome position (GRCh38, 1-based): chr18:36,372,422, C>T. VCF-style: chr18-36372422-C-T. GRCh37 (hg19) VCF-style: chr18-33952385-C-T.
Other names: c.273-258C>T (NM_025135.5, NM_001281739.3).
Identifiers: ClinVar variation 4856903 (VCV004856903.2).

ClinVar aggregate classification (germline): Uncertain significance (1 of 4 stars; one submission).

Submission:

Dasa
Classification: Uncertain significance. Last evaluated: 2025-12-30. Review status: criteria provided, single submitter. Criteria: DASA Assertion Criteria. Collection method: clinical testing. Allele origin: germline.
Comment: NM_001281740.3(FHOD3):c.273-258C>T is an intronic variant. This variant is rare in population databases. The currently available literature and clinical evidence are not sufficient to establish a definitive association between this variant and the reported condition. Therefore, this variant is classified as a variant of uncertain significance.